The following is an entry in ClinVar:

NC_000007.14:g.(?_5973393)_(5973548_?)del

Gene: PMS2 (PMS1 homolog 2, mismatch repair system component; minus strand). Cytogenetic location: 7p22.1.
Variant type: Deletion.
Identifiers: ClinVar variation 455085 (VCV000455085.1).

ClinVar aggregate classification (germline): Pathogenic (1 of 4 stars; one submission).

Conditions:
Hereditary nonpolyposis colorectal neoplasms. Identifiers: MedGen C0009405, MeSH D003123.

Submission:

Labcorp Genetics (formerly Invitae), Labcorp
Classification: Pathogenic for Hereditary nonpolyposis colorectal neoplasms. Last evaluated: 2017-07-10. Review status: criteria provided, single submitter. Criteria: Invitae Variant Classification Sherloc (09022015). Collection method: clinical testing. Allele origin: germline.
Comment: This variant is a gross deletion of the genomic region encompassing exon 15 of the PMS2 gene. The 5' boundary is likely confined to intron 14. The 3' end of this event is unknown as it extends through the termination codon beyond the assayed region for this gene and may encompass additional genes. While this deletion is not anticipated to result in nonsense mediated decay, it is expected to create a truncated PMS2 protein. Loss-of-function variants in PMS2 are known to be pathogenic. Deletion of exon 15 of the PMS2 gene has been reported in the literature in individuals affected with Lynch syndrome and constitutional mismatch repair deficiency syndrome (PMID: 2440087, 21618646). For these reasons, this variant has been classified as Pathogenic.